The following is an entry in ClinVar:

NM_005144.5(HR):c.1807T>A (p.Cys603Ser)

Gene: HR (HR lysine demethylase and nuclear receptor corepressor; minus strand). Cytogenetic location: 8p21.3.
Variant type: single nucleotide variant.
Coding change: c.1807T>A on transcript NM_005144.5 (MANE Select); coding-DNA position 1807, T replaced by A.
Protein change: p.Cys603Ser; replaces cysteine 603 with serine.
Molecular consequence: missense variant.
Genome position (GRCh38, 1-based): chr8:22,123,757, A>T on the plus strand (T>A on the coding strand, the complement: HR is on the minus strand). VCF-style: chr8-22123757-A-T. GRCh37 (hg19) VCF-style: chr8-21981270-A-T.
Other names: c.1807T>A, p.Cys603Ser (NM_018411.4); short protein forms C603S.
Identifiers: ClinVar variation 449038 (VCV000449038.2), dbSNP rs1554469549, ClinGen allele CA370492688.

ClinVar aggregate classification (germline): Uncertain significance (1 of 4 stars; one submission).

Submission:

GeneDx
Classification: Uncertain significance. Last evaluated: 2017-10-20. Review status: criteria provided, single submitter. Criteria: GeneDx Variant Classification (06012015). Collection method: clinical testing. Allele origin: germline. Affected: yes.
Comment: The C603S variant in the HR gene has not been reported previously as a pathogenic variant, nor as a benign variant, to our knowledge. The C603S variant is not observed in large population cohorts (Lek et al., 2016). The C603S variant is a non-conservative amino acid substitution, which is likely to impact secondary protein structure as these residues differ in polarity, charge, size and/or other properties. This substitution occurs at a position that is conserved in mammals. In silico analysis predicts this variant is probably damaging to the protein structure/function. We interpret C603S as a variant of uncertain significance.